The following is an entry in ClinVar:

NM_030973.4(MED25):c.314G>A (p.Gly105Asp)

Gene: MED25 (mediator complex subunit 25; plus strand). Cytogenetic location: 19q13.33.
Variant type: single nucleotide variant.
Coding change: c.314G>A on transcript NM_030973.4 (MANE Select); coding-DNA position 314, G replaced by A.
Protein change: p.Gly105Asp; replaces glycine 105 with aspartic acid.
Molecular consequence: missense variant.
Genome position (GRCh38, 1-based): chr19:49,828,457, G>A. VCF-style: chr19-49828457-G-A. GRCh37 (hg19) VCF-style: chr19-50331714-G-A.
Other names: c.314G>A, p.Gly105Asp (NM_001378355.1); short protein forms G105D.
Identifiers: ClinVar variation 1305611 (VCV001305611.3), dbSNP rs1281336559, ClinGen allele CA406911927.

ClinVar aggregate classification (germline): Uncertain significance (1 of 4 stars; one submission).

gnomAD v4.1: 1 of 1,613,690 alleles (0.000062%); highest among the groups gnomAD compares: South Asian, 0.0011%; no homozygotes.

Submission:

GeneDx
Classification: Uncertain significance. Last evaluated: 2023-08-01. Review status: criteria provided, single submitter. Criteria: GeneDx Variant Classification Process June 2021. Collection method: clinical testing. Allele origin: germline. Affected: yes.
Comment: Not observed at significant frequency in large population cohorts (gnomAD); In silico analysis supports that this missense variant has a deleterious effect on protein structure/function; Has not been previously published as pathogenic or benign to our knowledge